The following is an entry in ClinVar:

NM_000257.4(MYH7):c.686C>T (p.Ala229Val)

Gene: MYH7 (myosin heavy chain 7; minus strand). Cytogenetic location: 14q11.2.
Variant type: single nucleotide variant.
Coding change: c.686C>T on transcript NM_000257.4 (MANE Select); coding-DNA position 686, C replaced by T.
Protein change: p.Ala229Val; replaces alanine 229 with valine.
Molecular consequence: missense variant.
Genome position (GRCh38, 1-based): chr14:23,431,631, G>A on the plus strand (C>T on the coding strand, the complement: MYH7 is on the minus strand). VCF-style: chr14-23431631-G-A. GRCh37 (hg19) VCF-style: chr14-23900840-G-A.
Other names: short protein forms A229V.
Identifiers: ClinVar variation 228919 (VCV000228919.45), dbSNP rs876657888, ClinGen allele CA10576962.
Genomic context (GRCh38, chr14:23,431,631, plus strand): 5'-CAGGGACCACTCACGAAGCGGGAGGAGTTGTCGTTCCGGACGGTCTTGGCATTGCCAAAG[G>A]CCTCCAGAGCAGGGTTGGCCTGGATGATCTGGTCCTCCAGGGTGCCCTGCAGAGGCCAAG-3'
Protein context (NP_000248.2, residues 219-239): QIIQANPALE[Ala229Val]FGNAKTVRND

ClinVar aggregate classification (germline): Conflicting classifications of pathogenicity. Review status: criteria provided, conflicting classifications (1 of 4 stars). 5 submissions from 5 submitters: Likely pathogenic (1); Uncertain significance (4). Last evaluated 2025-05-04.

Conditions:
Cardiovascular phenotype. Identifiers: MedGen CN230736.
Hypertrophic cardiomyopathy. Also called: HYPERTROPHIC MYOCARDIOPATHY. Identifiers: Orphanet 217569, MedGen C0007194, MeSH D002312, MONDO:0005045, HP:0001639.

Submissions (5):

Labcorp Genetics (formerly Invitae), Labcorp
Classification: Uncertain significance for Hypertrophic cardiomyopathy. Last evaluated: 2025-05-04. Review status: criteria provided, single submitter. Criteria: Invitae Variant Classification Sherloc (09022015). Collection method: clinical testing. Allele origin: germline.
Comment: This sequence change replaces alanine, which is neutral and non-polar, with valine, which is neutral and non-polar, at codon 229 of the MYH7 protein (p.Ala229Val). This variant is not present in population databases (gnomAD no frequency). This missense change has been observed in individual(s) with left ventricular noncompaction (PMID: 33500567). ClinVar contains an entry for this variant (Variation ID: 228919). Invitae Evidence Modeling of protein sequence and biophysical properties (such as structural, functional, and spatial information, amino acid conservation, physicochemical variation, residue mobility, and thermodynamic stability) indicates that this missense variant is expected to disrupt MYH7 protein function with a positive predictive value of 95%. In summary, the available evidence is currently insufficient to determine the role of this variant in disease. Therefore, it has been classified as a Variant of Uncertain Significance.

Blueprint Genetics
Classification: Uncertain significance. Last evaluated: 2024-07-29. Review status: criteria provided, single submitter. Criteria: ACMG Guidelines, 2015. Collection method: clinical testing. Allele origin: germline.

CeGaT Center for Human Genetics Tuebingen
Classification: Likely pathogenic. Last evaluated: 2022-07-01. Review status: criteria provided, single submitter. Criteria: CeGaT Center For Human Genetics Tuebingen Variant Classification Criteria Version 2. Collection method: clinical testing. Allele origin: germline. Affected: yes. Observed: 2 variant alleles.

Ambry Genetics
Classification: Uncertain significance for Cardiovascular phenotype. Last evaluated: 2020-04-02. Review status: criteria provided, single submitter. Criteria: Ambry Variant Classification Scheme 2023. Collection method: clinical testing. Allele origin: germline.

Laboratory for Molecular Medicine, Mass General Brigham Personalized Medicine
Classification: Uncertain significance. Last evaluated: 2015-09-28. Review status: criteria provided, single submitter. Criteria: LMM Criteria. Collection method: clinical testing. Allele origin: germline. Observed: 1 variant allele.
Comment: The p.Ala229Val variant in MYH7 has not been previously reported in individuals with cardiomyopathy or in large population studies. Computational prediction too ls and conservation analysis suggest that this variant may impact the protein, t hough this information is not predictive enough to determine pathogenicity. In s ummary, the clinical significance of the p.Ala229Val variant is uncertain.

Literature cited by the submitters: PubMed 33500567 (cited by Labcorp Genetics (formerly Invitae), Labcorp).